The following is an entry in ClinVar:

NM_000181.4(GUSB):c.163C>T (p.Arg55Ter)

Gene: GUSB (glucuronidase beta; minus strand). Cytogenetic location: 7q11.21.
Variant type: single nucleotide variant.
Coding change: c.163C>T on transcript NM_000181.4 (MANE Select); coding-DNA position 163, C replaced by T.
Protein change: p.Arg55Ter; replaces arginine 55 with a stop codon.
Molecular consequence: nonsense. On other transcripts: 5 prime UTR variant (2), non-coding transcript variant (1).
Genome position (GRCh38, 1-based): chr7:65,982,021, G>A on the plus strand (C>T on the coding strand, the complement: GUSB is on the minus strand). VCF-style: chr7-65982021-G-A. GRCh37 (hg19) VCF-style: chr7-65447008-G-A.
Other names: c.163C>T, p.Arg55Ter (NM_001284290.2); c.-223C>T (NM_001293104.2); c.-167C>T (NM_001293105.2); short protein forms R55*.
Identifiers: ClinVar variation 1074941 (VCV001074941.8), dbSNP rs1210475838, ClinGen allele CA367654812.

ClinVar aggregate classification (germline): Pathogenic/Likely pathogenic. Review status: criteria provided, multiple submitters, no conflicts (2 of 4 stars). 2 submissions from 2 submitters: Pathogenic (1); Likely pathogenic (1). Last evaluated 2025-01-27.

Conditions:
Mucopolysaccharidosis type 7 (MPS7). Also called: SLY SYNDROME; BETA-GLUCURONIDASE DEFICIENCY; GUSB DEFICIENCY; MPS VII. Identifiers: Orphanet 584, MedGen C0085132, MONDO:0009662, OMIM 253220.

Allele frequency attached by ClinVar (database versions not stated): gnomAD 0.00001; TOPMed 0.00002.

Submissions (2):

Labcorp Genetics (formerly Invitae), Labcorp
Classification: Pathogenic for Mucopolysaccharidosis type 7. Last evaluated: 2025-01-27. Review status: criteria provided, single submitter. Criteria: Invitae Variant Classification Sherloc (09022015). Collection method: clinical testing. Allele origin: germline.
Comment: This sequence change creates a premature translational stop signal (p.Arg55*) in the GUSB gene. It is expected to result in an absent or disrupted protein product. Loss-of-function variants in GUSB are known to be pathogenic (PMID: 19224584). This variant is present in population databases (no rsID available, gnomAD 0.007%). This variant has not been reported in the literature in individuals affected with GUSB-related conditions. ClinVar contains an entry for this variant (Variation ID: 1074941). For these reasons, this variant has been classified as Pathogenic.

Fulgent Genetics
Classification: Likely pathogenic for Mucopolysaccharidosis type 7. Last evaluated: 2024-05-10. Review status: criteria provided, single submitter. Criteria: ACMG Guidelines, 2015. Collection method: clinical testing. Allele origin: germline.

Literature cited by the submitters: PubMed 19224584 (cited by Labcorp Genetics (formerly Invitae), Labcorp).